The following is an entry in ClinVar:

ClinVar aggregate classification (germline): Uncertain significance. Review status: criteria provided, multiple submitters, no conflicts (2 of 4 stars). 4 submissions from 4 submitters: Uncertain significance (4). Last evaluated 2024-04-16.

Conditions:
Catecholaminergic polymorphic ventricular tachycardia (CVPT). Also called: Catecholamine-induced polymorphic ventricular tachycardia. Identifiers: Orphanet 3286, MedGen C5574922, MONDO:0017990.
Cardiomyopathy (CMYO). Also called: Cardiomyopathies. Identifiers: Orphanet 167848, MedGen C0878544, MONDO:0004994, HP:0001638. Inheritance: Various modes of inheritance.
Catecholaminergic polymorphic ventricular tachycardia 1. Also called: RYR2-Related Catecholaminergic Polymorphic Ventricular Tachycardia; VENTRICULAR TACHYCARDIA, CATECHOLAMINERGIC POLYMORPHIC, 1, WITH OR WITHOUT ATRIAL DYSFUNCTION AND/OR DILATED CARDIOMYOPATHY; VENTRICULAR TACHYCARDIA, STRESS-INDUCED POLYMORPHIC 1. Identifiers: Orphanet 3286, MedGen C1631597, MONDO:0011484, OMIM 604772.

Submissions (4):

All of Us Research Program, National Institutes of Health
Classification: Uncertain significance for Catecholaminergic polymorphic ventricular tachycardia. Last evaluated: 2024-04-16. Review status: criteria provided, single submitter. Criteria: ACMG Guidelines, 2015. Collection method: clinical testing. Allele origin: germline. Inheritance: Autosomal dominant inheritance. Observed: 1 variant allele, 1 heterozygote.
Comment: This missense variant replaces leucine with isoleucine at codon 2372 of the RYR2 protein. Computational prediction suggests that this variant may not impact protein structure and function (internally defined REVEL score threshold <= 0.5, PMID: 27666373). To our knowledge, functional studies have not been reported for this variant. This variant has not been reported in individuals affected with RYR2-related disorders in the literature. This variant has been identified in 3/246610 chromosomes in the general population by the Genome Aggregation Database (gnomAD). The available evidence is insufficient to determine the role of this variant in disease conclusively. Therefore, this variant is classified as a Variant of Uncertain Significance.

This study involves interpretation of variants in research participants for the purpose of population health screening. Participant phenotype was not available at the time of variant classification. Additional details can be found in publication PMID: 35346344, PMCID: PMC8962531

Color Diagnostics, LLC DBA Color Health
Classification: Uncertain significance for Cardiomyopathy. Last evaluated: 2024-04-05. Review status: criteria provided, single submitter. Criteria: ACMG Guidelines, 2015. Collection method: clinical testing. Allele origin: germline.
Comment: This missense variant replaces leucine with isoleucine at codon 2372 of the RYR2 protein. Computational prediction suggests that this variant may not impact protein structure and function (internally defined REVEL score threshold <= 0.5, PMID: 27666373). To our knowledge, functional studies have not been reported for this variant. This variant has not been reported in individuals affected with RYR2-related disorders in the literature. This variant has been identified in 3/246610 chromosomes in the general population by the Genome Aggregation Database (gnomAD). The available evidence is insufficient to determine the role of this variant in disease conclusively. Therefore, this variant is classified as a Variant of Uncertain Significance.

Labcorp Genetics (formerly Invitae), Labcorp
Classification: Uncertain significance for Catecholaminergic polymorphic ventricular tachycardia 1. Last evaluated: 2022-08-30. Review status: criteria provided, single submitter. Criteria: Invitae Variant Classification Sherloc (09022015). Collection method: clinical testing. Allele origin: germline.
Comment: This sequence change replaces leucine, which is neutral and non-polar, with isoleucine, which is neutral and non-polar, at codon 2372 of the RYR2 protein (p.Leu2372Ile). This variant is present in population databases (rs765925963, gnomAD 0.007%). This variant has not been reported in the literature in individuals affected with RYR2-related conditions. ClinVar contains an entry for this variant (Variation ID: 201274). Algorithms developed to predict the effect of missense changes on protein structure and function (SIFT, PolyPhen-2, Align-GVGD) all suggest that this variant is likely to be tolerated. In summary, the available evidence is currently insufficient to determine the role of this variant in disease. Therefore, it has been classified as a Variant of Uncertain Significance.

GeneDx
Classification: Uncertain significance. Last evaluated: 2014-08-22. Review status: criteria provided, single submitter. Criteria: GeneDx Variant Classification (06012015). Collection method: clinical testing. Allele origin: germline. Affected: yes.
Comment: p.Leu2372Ile (CTT>ATT): c.7114 C>A in exon 46 of the RYR2 gene (NM_001035.2). A variant of unknown significance has been identified in the RYR2 gene. The L2372I variant has not been published as a mutation, nor has it been reported as a benign polymorphism to our knowledge. The L2372I variant was not observed in approximately 6,000 individuals of European and African American ancestry in the NHLBI Exome Sequencing Project, indicating it is not a common benign variant in these populations. However, the L2372I variant is a conservative amino acid substitution, which is not likely to impact secondary protein structure as these residues share similar properties. Additionally, this substitution occurs at a position that is not conserved across species and in silico analysis is inconsistent in its predictions as to whether or not the variant is damaging to the protein structure/function. Furthermore, missense mutations in nearby residues have not been reported indicating this region of the protein may be tolerant of change. Therefore, based on the currently available information, it is unclear whether this variant is a pathogenic mutation or a rare benign variant. The variant is found in CARDIOMYOPATHY panel(s).

NM_001035.3(RYR2):c.7114C>A (p.Leu2372Ile)

Gene: RYR2 (ryanodine receptor 2; plus strand). Cytogenetic location: 1q43.
Variant type: single nucleotide variant.
Coding change: c.7114C>A on transcript NM_001035.3 (MANE Select); coding-DNA position 7114, C replaced by A.
Protein change: p.Leu2372Ile; replaces leucine 2372 with isoleucine.
Molecular consequence: missense variant.
Genome position (GRCh38, 1-based): chr1:237,639,200, C>A. VCF-style: chr1-237639200-C-A. GRCh37 (hg19) VCF-style: chr1-237802500-C-A.
Other names: p.L2372I:CTT>ATT; c.7114C>A, p.Leu2372Ile (LRG_402t1); short protein forms L2372I.
Identifiers: ClinVar variation 201274 (VCV000201274.8), dbSNP rs765925963, ClinGen allele CA010533.